The following is an entry in ClinVar:

ClinVar aggregate classification (germline): Uncertain significance (1 of 4 stars; one submission).

Conditions:
Cardiomyopathy (CMYO). Also called: Cardiomyopathies. Identifiers: Orphanet 167848, MedGen C0878544, MONDO:0004994, HP:0001638. Inheritance: Various modes of inheritance.

Submission:

Color Diagnostics, LLC DBA Color Health
Classification: Uncertain significance for Cardiomyopathy. Last evaluated: 2025-04-21. Review status: criteria provided, single submitter. Criteria: ACMG Guidelines, 2015. Collection method: clinical testing. Allele origin: germline.
Comment: This variant causes a G to T nucleotide substitution at the +3 position of intron 11 of the MYH7 gene. To our knowledge, functional studies have not been reported for this variant. This variant has not been reported in individuals affected with MYH7-related disorders in the literature. This variant has not been identified in the general population by the Genome Aggregation Database (gnomAD). The available evidence is insufficient to determine the role of this variant in disease conclusively. Therefore, this variant is classified as a Variant of Uncertain Significance.

NM_000257.4(MYH7):c.999+3G>T

Gene: MYH7 (myosin heavy chain 7; minus strand). Cytogenetic location: 14q11.2.
Variant type: single nucleotide variant.
Coding change: c.999+3G>T on transcript NM_000257.4 (MANE Select); 3 bases into the intron after coding-DNA position 999, G replaced by T.
Molecular consequence: intron variant.
Genome position (GRCh38, 1-based): chr14:23,430,557, C>A on the plus strand (G>T on the coding strand, the complement: MYH7 is on the minus strand). VCF-style: chr14-23430557-C-A. GRCh37 (hg19) VCF-style: chr14-23899766-C-A.
Other names: c.999+3G>T (NM_001407004.1).
Identifiers: ClinVar variation 4756605 (VCV004756605.1).